The following is an entry in ClinVar:

ClinVar aggregate classification (germline): Likely benign (1 of 4 stars; one submission).

Conditions:
AFF4-related disorder. Also called: AFF4-related condition.

gnomAD v4.1: 1 of 1,614,054 alleles (0.000062%); highest among the groups gnomAD compares: Non-Finnish European, 0.000085%; no homozygotes.

Submission:

PreventionGenetics, part of Exact Sciences
Classification: Likely benign for AFF4-related condition. Last evaluated: 2024-10-16. Review status: criteria provided, single submitter. Criteria: ACMG Guidelines, 2015. Collection method: clinical testing. Allele origin: germline.
Comment: This variant is classified as likely benign based on ACMG/AMP sequence variant interpretation guidelines (Richards et al. 2015 PMID: 25741868, with internal and published modifications).

NM_014423.4(AFF4):c.552C>A (p.Pro184=)

Gene: AFF4 (ALF transcription elongation factor 4; minus strand). Cytogenetic location: 5q31.1.
Variant type: single nucleotide variant.
Coding change: c.552C>A on transcript NM_014423.4 (MANE Select); coding-DNA position 552, C replaced by A.
Protein change: p.Pro184=; no amino-acid change (proline 184 retained).
Molecular consequence: synonymous variant.
Genome position (GRCh38, 1-based): chr5:132,934,513, G>T on the plus strand (C>A on the coding strand, the complement: AFF4 is on the minus strand). VCF-style: chr5-132934513-G-T. GRCh37 (hg19) VCF-style: chr5-132270205-G-T.
Identifiers: ClinVar variation 4985538 (VCV004985538.1).
Genomic context (GRCh38, chr5:132,934,513, plus strand): 5'-GCTATGGTGATCATTCCCATGAGACCTGGAATGACTAGAGTTTAATGAAGAAACAGCCTG[G>T]GGTTTTCCAGGGCTGGAAGAACGTGATTTGGAGTGTTCTGATCCATGCTGGCCTTTTTTC-3'
Protein context (NP_055238.1, residues 174-194): SKSRSSSPGK[Pro184=]QAVSSLNSSH